The following is an entry in ClinVar:

ClinVar aggregate classification (germline): Likely pathogenic (0 of 4 stars; one submission).

Conditions:
COL2A1-related disorder. Also called: COL2A1-related condition; COL2A1-related disorders.

Submission:

PreventionGenetics, part of Exact Sciences
Classification: Likely pathogenic for COL2A1-related condition. Last evaluated: 2024-09-20. Review status: no assertion criteria provided. Collection method: clinical testing. Allele origin: germline.
Comment: The COL2A1 c.1528-1G>A variant is predicted to disrupt the AG splice acceptor site and interfere with normal splicing. To our knowledge, this variant has not been reported in the literature or in population databases, indicating that it is rare. Variants that disrupt the consensus splice acceptor site in COL2A1 are expected to be pathogenic. This variant is interpreted as likely pathogenic.

NM_001844.5(COL2A1):c.1528-1G>A

Gene: COL2A1 (collagen type II alpha 1 chain; minus strand). Cytogenetic location: 12q13.11.
Variant type: single nucleotide variant.
Coding change: c.1528-1G>A on transcript NM_001844.5 (MANE Select); the canonical splice acceptor site of the intron before coding-DNA position 1528, G replaced by A.
Molecular consequence: splice acceptor variant.
Genome position (GRCh38, 1-based): chr12:47,985,966, C>T on the plus strand (G>A on the coding strand, the complement: COL2A1 is on the minus strand). VCF-style: chr12-47985966-C-T. GRCh37 (hg19) VCF-style: chr12-48379749-C-T.
Other names: c.1321-1G>A (NM_033150.3).
Identifiers: ClinVar variation 3346602 (VCV003346602.1).